The following is an entry in ClinVar:

NM_001194998.2(CEP152):c.3269_3270del (p.Leu1090fs)

Gene: CEP152 (centrosomal protein 152; minus strand). Cytogenetic location: 15q21.1.
Variant type: Deletion.
Coding change: c.3269_3270del on transcript NM_001194998.2 (MANE Select); coding-DNA positions 3269 to 3270, 2 bases deleted (TA; older notation c.3269_3270delTA).
Protein change: p.Leu1090fs; shifts the reading frame from leucine 1090.
Molecular consequence: frameshift variant.
Genome position (GRCh38, 1-based): chr15:48,755,978-48,755,979, TA deleted on the plus strand (TA on the coding strand, the reverse complement: CEP152 is on the minus strand). VCF-style (leftmost placement, unchanged base first): chr15-48755977-TTA-T. GRCh37 (hg19) VCF-style: chr15-49048174-TTA-T.
Other names: c.3269_3270del, p.Leu1090fs (NM_014985.4); short protein forms L1090fs.
Identifiers: ClinVar variation 2798551 (VCV002798551.3), dbSNP rs2504600107, ClinGen allele CA2739269450.

ClinVar aggregate classification (germline): Pathogenic (1 of 4 stars; one submission).

Submission:

Labcorp Genetics (formerly Invitae), Labcorp
Classification: Pathogenic. Last evaluated: 2023-10-18. Review status: criteria provided, single submitter. Criteria: Invitae Variant Classification Sherloc (09022015). Collection method: clinical testing. Allele origin: germline.
Comment: This sequence change creates a premature translational stop signal (p.Leu1090Glnfs*20) in the CEP152 gene. It is expected to result in an absent or disrupted protein product. Loss-of-function variants in CEP152 are known to be pathogenic (PMID: 21131973). This variant is not present in population databases (gnomAD no frequency). This variant has not been reported in the literature in individuals affected with CEP152-related conditions. For these reasons, this variant has been classified as Pathogenic.

Literature cited by the submitters: PubMed 21131973.